The following is an entry in ClinVar:

ClinVar aggregate classification (germline): Uncertain significance (1 of 4 stars; one submission).

Submission:

GeneDx
Classification: Uncertain significance. Last evaluated: 2026-07-06. Review status: criteria provided, single submitter. Criteria: GeneDx Variant Classification Process June 2021. Collection method: clinical testing. Allele origin: germline.
Comment: Not observed at significant frequency in large population cohorts (gnomAD); In silico analysis supports that this missense variant has a deleterious effect on protein structure/function; Has not been previously published as pathogenic or benign to our knowledge

NM_145331.3(MAP3K7):c.743G>C (p.Arg248Pro)

Gene: MAP3K7 (mitogen-activated protein kinase kinase kinase 7; minus strand). Cytogenetic location: 6q15.
Variant type: single nucleotide variant.
Coding change: c.743G>C on transcript NM_145331.3 (MANE Select); coding-DNA position 743, G replaced by C.
Protein change: p.Arg248Pro; replaces arginine 248 with proline.
Molecular consequence: missense variant.
Genome position (GRCh38, 1-based): chr6:90,552,173, C>G on the plus strand (G>C on the coding strand, the complement: MAP3K7 is on the minus strand). VCF-style: chr6-90552173-C-G. GRCh37 (hg19) VCF-style: chr6-91261892-C-G.
Other names: c.743G>C, p.Arg248Pro (NM_003188.4, NM_145332.3, NM_145333.3); short protein forms R248P.
Identifiers: ClinVar variation 2499378 (VCV002499378.2), dbSNP rs2481817614, ClinGen allele CA365011984.
Genomic context (GRCh38, chr6:90,552,173, plus strand): 5'-GACCAACAACGAGTCATCAGGCTCTCAATGGGCTTAGGTAAATTTTTTATCAGTGGTGGT[C>G]GAGTACCTACAATTGAAAATGAGAGGAAGGGGGGAAGAATGTATTTACCCAAAGAATGAT-3'
Protein context (NP_663304.1, residues 238-258): RIMWAVHNGT[Arg248Pro]PPLIKNLPKP